The following is an entry in ClinVar:

ClinVar aggregate classification (germline): Uncertain significance (1 of 4 stars; one submission).

Conditions:
Familial thoracic aortic aneurysm and aortic dissection (TAAD). Also called: Thoracic aortic aneurysms and dissections. Identifiers: Orphanet 91387, MedGen C4707243, MONDO:0019625.

Submission:

Ambry Genetics
Classification: Uncertain significance for Familial thoracic aortic aneurysm and aortic dissection. Last evaluated: 2023-09-24. Review status: criteria provided, single submitter. Criteria: Ambry Variant Classification Scheme 2023. Collection method: clinical testing. Allele origin: germline.
Comment: The p.S541C variant (also known as c.1622C>G), located in coding exon 5 of the SLC2A10 gene, results from a C to G substitution at nucleotide position 1622. The serine at codon 541 is replaced by cysteine, an amino acid with dissimilar properties. This amino acid position is conserved. In addition, this alteration is predicted to be tolerated by in silico analysis. Since supporting evidence is limited at this time, the clinical significance of this alteration remains unclear.

NM_030777.4(SLC2A10):c.1622C>G (p.Ser541Cys)

Gene: SLC2A10 (solute carrier family 2 member 10; plus strand). Cytogenetic location: 20q13.12.
Variant type: single nucleotide variant.
Coding change: c.1622C>G on transcript NM_030777.4 (MANE Select); coding-DNA position 1622, C replaced by G.
Protein change: p.Ser541Cys; replaces serine 541 with cysteine.
Molecular consequence: missense variant.
Genome position (GRCh38, 1-based): chr20:46,733,830, C>G. VCF-style: chr20-46733830-C-G. GRCh37 (hg19) VCF-style: chr20-45362469-C-G.
Other names: short protein forms S541C.
Identifiers: ClinVar variation 3228066 (VCV003228066.1), dbSNP rs375600279, ClinGen allele CA409274954.